The following is an entry in ClinVar:

ClinVar aggregate classification (germline): Benign. Review status: criteria provided, multiple submitters, no conflicts (2 of 4 stars). 3 submissions from 3 submitters: Benign (3). Last evaluated 2026-02-04.

Allele frequency attached by ClinVar (database versions not stated): 1000 Genomes Project 30x 0.09213; ESP Exome Variant Server 0.09357; 1000 Genomes Project 0.09425; TOPMed 0.09616; ExAC 0.11165; gnomAD exomes 0.11362.
gnomAD v4.1: 167,271 of 1,609,574 alleles (10%); highest among the groups gnomAD compares: East Asian, 22%; 9,639 homozygotes.

Submissions (3):

Labcorp Genetics (formerly Invitae), Labcorp
Classification: Benign. Last evaluated: 2026-02-04. Review status: criteria provided, single submitter. Criteria: Invitae Variant Classification Sherloc (09022015). Collection method: clinical testing. Allele origin: germline.

GeneDx
Classification: Benign. Last evaluated: 2016-02-11. Review status: criteria provided, single submitter. Criteria: GeneDx Variant Classification (06012015). Collection method: clinical testing. Allele origin: germline. Affected: yes.
Comment: This variant is considered likely benign or benign based on one or more of the following criteria: it is a conservative change, it occurs at a poorly conserved position in the protein, it is predicted to be benign by multiple in silico algorithms, and/or has population frequency not consistent with disease.

Breakthrough Genomics
Classification: Benign. Review status: criteria provided, single submitter. Criteria: ACMG Guidelines, 2015. Collection method: not provided. Allele origin: germline. Inheritance: Autosomal recessive inheritance. Affected: yes.

NM_001128159.3(VPS53):c.982C>A (p.Leu328Ile)

Gene: VPS53 (VPS53 subunit of GARP complex; minus strand). Cytogenetic location: 17p13.3.
Variant type: single nucleotide variant.
Coding change: c.982C>A on transcript NM_001128159.3 (MANE Select); coding-DNA position 982, C replaced by A.
Protein change: p.Leu328Ile; replaces leucine 328 with isoleucine.
Molecular consequence: missense variant.
Genome position (GRCh38, 1-based): chr17:623,667, G>T on the plus strand (C>A on the coding strand, the complement: VPS53 is on the minus strand). VCF-style: chr17-623667-G-T. GRCh37 (hg19) VCF-style: chr17-526907-G-T.
Other names: c.982C>A, p.Leu328Ile (NM_001366253.2); c.388C>A, p.Leu130Ile (NM_001366254.2); c.895C>A, p.Leu299Ile (NM_018289.4); short protein forms L328I, L299I, L130I.
Identifiers: ClinVar variation 380906 (VCV000380906.10), dbSNP rs16954056, ClinGen allele CA8261585.